The following is an entry in ClinVar:

NM_019892.6(INPP5E):c.1020G>A (p.Glu340=)

Gene: INPP5E (inositol polyphosphate-5-phosphatase E; minus strand). Cytogenetic location: 9q34.3.
Variant type: single nucleotide variant.
Coding change: c.1020G>A on transcript NM_019892.6 (MANE Select); coding-DNA position 1020, G replaced by A.
Protein change: p.Glu340=; no amino-acid change (glutamic acid 340 retained).
Molecular consequence: synonymous variant.
Genome position (GRCh38, 1-based): chr9:136,434,051, C>T on the plus strand (G>A on the coding strand, the complement: INPP5E is on the minus strand). VCF-style: chr9-136434051-C-T. GRCh37 (hg19) VCF-style: chr9-139328503-C-T.
Other names: c.1020G>A, p.Glu340= (NM_001318502.2).
Identifiers: ClinVar variation 3358227 (VCV003358227.2).
Genomic context (GRCh38, chr9:136,434,051, plus strand): 5'-GACGGCAGCCCCTGGGCAGGCACTGCAGGGCCTGCAGCCGCCCTACCTGTCAGAACAGCC[C>T]TCCTGGACCCCGATGACATACAGGTCCTGGGCATAGTCGGCCTCGGCTGGGAGCAGGAAC-3'
Protein context (NP_063945.2, residues 330-350): AQDLYVIGVQ[Glu340=]GCSDRREWET

ClinVar aggregate classification (germline): Likely benign. Review status: criteria provided, single submitter (1 of 4 stars). 2 submissions from 2 submitters: Likely benign (1). 1 of the submissions does not count toward it. Last evaluated 2025-07-15.

Conditions:
INPP5E-related disorder. Also called: INPP5E-related condition.
Joubert syndrome. Also called: JOUBERT-BOLTSHAUSER SYNDROME; CEREBELLOPARENCHYMAL DISORDER IV; Familial aplasia of the vermis. Identifiers: Orphanet 475, MedGen C5979921, MONDO:0018772.

gnomAD v4.1: 2 of 1,609,154 alleles (0.00012%); highest among the groups gnomAD compares: Admixed American, 0.0017%; no homozygotes.

Submissions (2):

Labcorp Genetics (formerly Invitae), Labcorp
Classification: Likely benign for Joubert syndrome. Last evaluated: 2025-07-15. Review status: criteria provided, single submitter. Criteria: Invitae Variant Classification Sherloc (09022015). Collection method: clinical testing. Allele origin: germline.

PreventionGenetics, part of Exact Sciences
Classification: Likely benign for INPP5E-related condition. Last evaluated: 2024-03-23. Review status: no assertion criteria provided. Collection method: clinical testing. Allele origin: germline. Not counted in ClinVar's aggregate classification.
Comment: This variant is classified as likely benign based on ACMG/AMP sequence variant interpretation guidelines (Richards et al. 2015 PMID: 25741868, with internal and published modifications).